The following is an entry in ClinVar:

ClinVar aggregate classification (germline): Uncertain significance (1 of 4 stars; one submission).

Allele frequency attached by ClinVar (database versions not stated): TOPMed below 0.00001; ExAC 0.00001; gnomAD 0.00001.
gnomAD v4.1: 3 of 1,606,124 alleles (0.00019%); highest among the groups gnomAD compares: South Asian, 0.0011%; no homozygotes.

Submission:

Labcorp Genetics (formerly Invitae), Labcorp
Classification: Uncertain significance. Last evaluated: 2022-03-20. Review status: criteria provided, single submitter. Criteria: Invitae Variant Classification Sherloc (09022015). Collection method: clinical testing. Allele origin: germline.
Comment: Algorithms developed to predict the effect of missense changes on protein structure and function are either unavailable or do not agree on the potential impact of this missense change (SIFT: "Deleterious"; PolyPhen-2: "Benign"; Align-GVGD: "Class C0"). In summary, the available evidence is currently insufficient to determine the role of this variant in disease. Therefore, it has been classified as a Variant of Uncertain Significance. This variant has not been reported in the literature in individuals affected with TTLL5-related conditions. This variant is present in population databases (rs761519988, gnomAD 0.003%). This sequence change replaces tyrosine, which is neutral and polar, with cysteine, which is neutral and slightly polar, at codon 999 of the TTLL5 protein (p.Tyr999Cys).

NM_015072.5(TTLL5):c.2996A>G (p.Tyr999Cys)

Gene: TTLL5 (tubulin tyrosine ligase like 5; plus strand). Cytogenetic location: 14q24.3.
Variant type: single nucleotide variant.
Coding change: c.2996A>G on transcript NM_015072.5 (MANE Select); coding-DNA position 2996, A replaced by G.
Protein change: p.Tyr999Cys; replaces tyrosine 999 with cysteine.
Molecular consequence: missense variant.
Genome position (GRCh38, 1-based): chr14:75,792,925, A>G. VCF-style: chr14-75792925-A-G. GRCh37 (hg19) VCF-style: chr14-76259268-A-G.
Other names: short protein forms Y999C.
Identifiers: ClinVar variation 1973192 (VCV001973192.5), dbSNP rs761519988, ClinGen allele CA7279873.